The following is an entry in ClinVar:

ClinVar aggregate classification (germline): Uncertain significance. Review status: criteria provided, multiple submitters, no conflicts (2 of 4 stars). 3 submissions from 3 submitters: Uncertain significance (3). Last evaluated 2025-12-21.

Conditions:
Arginine:glycine amidinotransferase deficiency (CCDS3). Also called: L-Arginine:Glycine Amidinotransferase (AGAT) Deficiency; Cerebral creatine deficiency syndrome 3; L-Arginine:Glycine Amidinotransferase Deficiency; Creatine deficiency syndrome due to AGAT deficiency; GATM deficiency; AGAT deficiency. Identifiers: Orphanet 35704, MedGen C2675179, MONDO:0012996, OMIM 612718.
Fanconi renotubular syndrome 1. Also called: FRTS1; LUDER-SHELDON SYNDROME; Toni-Debre-Fanconi syndrome; Neonatal De Toni-Debre-Fanconi syndrome; De Toni-Fanconi syndrome. Identifiers: MedGen C4551503, MONDO:0024525, OMIM 134600.
Inborn genetic diseases. Identifiers: MedGen C0950123, MeSH D030342.

Allele frequency attached by ClinVar (database versions not stated): TOPMed below 0.00001; gnomAD 0.00001; gnomAD exomes 0.00001.
gnomAD v4.1: 19 of 1,613,982 alleles (0.0012%); highest among the groups gnomAD compares: Non-Finnish European, 0.0015%; no homozygotes.

Submissions (3):

Labcorp Genetics (formerly Invitae), Labcorp
Classification: Uncertain significance for Arginine:glycine amidinotransferase deficiency. Last evaluated: 2025-12-21. Review status: criteria provided, single submitter. Criteria: Invitae Variant Classification Sherloc (09022015). Collection method: clinical testing. Allele origin: germline.
Comment: This sequence change replaces lysine, which is basic and polar, with glutamic acid, which is acidic and polar, at codon 209 of the GATM protein (p.Lys209Glu). This variant is not present in population databases (gnomAD no frequency). This variant has not been reported in the literature in individuals affected with GATM-related conditions. ClinVar contains an entry for this variant (Variation ID: 567693). Invitae Evidence Modeling of protein sequence and biophysical properties (such as structural, functional, and spatial information, amino acid conservation, physicochemical variation, residue mobility, and thermodynamic stability) has been performed for this missense variant. However, the output from this modeling did not meet the statistical confidence thresholds required to predict the impact of this variant on GATM protein function. In summary, the available evidence is currently insufficient to determine the role of this variant in disease. Therefore, it has been classified as a Variant of Uncertain Significance.

Fulgent Genetics
Classification: Uncertain significance for Fanconi renotubular syndrome 1; Arginine:glycine amidinotransferase deficiency. Last evaluated: 2022-04-26. Review status: criteria provided, single submitter. Criteria: ACMG Guidelines, 2015. Collection method: clinical testing. Allele origin: unknown.

Ambry Genetics
Classification: Uncertain significance for Inborn genetic diseases. Last evaluated: 2021-05-05. Review status: criteria provided, single submitter. Criteria: Ambry Variant Classification Scheme 2023. Collection method: clinical testing. Allele origin: germline.

NM_001482.3(GATM):c.625A>G (p.Lys209Glu)

Gene: GATM (glycine amidinotransferase; minus strand). Cytogenetic location: 15q21.1.
Variant type: single nucleotide variant.
Coding change: c.625A>G on transcript NM_001482.3 (MANE Select); coding-DNA position 625, A replaced by G.
Protein change: p.Lys209Glu; replaces lysine 209 with glutamic acid.
Molecular consequence: missense variant.
Genome position (GRCh38, 1-based): chr15:45,368,120, T>C on the plus strand (A>G on the coding strand, the complement: GATM is on the minus strand). VCF-style: chr15-45368120-T-C. GRCh37 (hg19) VCF-style: chr15-45660318-T-C.
Other names: c.238A>G, p.Lys80Glu (NM_001321015.2); short protein forms K209E, K80E.
Identifiers: ClinVar variation 567693 (VCV000567693.12), dbSNP rs1393968087, ClinGen allele CA392260714.